The following is an entry in ClinVar:

NM_000702.4(ATP1A2):c.2494C>T (p.Gln832Ter)

Gene: ATP1A2 (ATPase Na+/K+ transporting subunit alpha 2; plus strand). Cytogenetic location: 1q23.2.
Variant type: single nucleotide variant.
Coding change: c.2494C>T on transcript NM_000702.4 (MANE Select); coding-DNA position 2494, C replaced by T.
Protein change: p.Gln832Ter; replaces glutamine 832 with a stop codon.
Molecular consequence: nonsense.
Genome position (GRCh38, 1-based): chr1:160,136,301, C>T. VCF-style: chr1-160136301-C-T. GRCh37 (hg19) VCF-style: chr1-160106091-C-T.
Other names: short protein forms Q832*.
Identifiers: ClinVar variation 4736499 (VCV004736499.1).

ClinVar aggregate classification (germline): Pathogenic (1 of 4 stars; one submission).

Conditions:
Familial hemiplegic migraine. Identifiers: MedGen C0338484, MONDO:0000700.

Submission:

Labcorp Genetics (formerly Invitae), Labcorp
Classification: Pathogenic for Familial hemiplegic migraine. Last evaluated: 2026-01-31. Review status: criteria provided, single submitter. Criteria: Invitae Variant Classification Sherloc (09022015). Collection method: clinical testing. Allele origin: germline.
Comment: This sequence change creates a premature translational stop signal (p.Gln832*) in the ATP1A2 gene. It is expected to result in an absent or disrupted protein product. Loss-of-function variants in ATP1A2 are known to be pathogenic (PMID: 30690204). This variant is not present in population databases (gnomAD no frequency). This variant has not been reported in the literature in individuals affected with ATP1A2-related conditions. For these reasons, this variant has been classified as Pathogenic.

Literature cited by the submitters: PubMed 30690204.